The following is an entry in ClinVar:

ClinVar aggregate classification (germline): Pathogenic. Review status: criteria provided, multiple submitters, no conflicts (2 of 4 stars). 2 submissions from 2 submitters: Pathogenic (2). Last evaluated 2024-03-28.

Conditions:
Wilms tumor 1 (WT1). Also called: Wilms tumor, somatic. Identifiers: Orphanet 654, MedGen CN033288, MONDO:0008679, OMIM 194070.

Submissions (2):

Labcorp Genetics (formerly Invitae), Labcorp
Classification: Pathogenic for Wilms tumor 1. Last evaluated: 2024-03-28. Review status: criteria provided, single submitter. Criteria: Invitae Variant Classification Sherloc (09022015). Collection method: clinical testing. Allele origin: germline.
Comment: This sequence change creates a premature translational stop signal (p.Arg254*) in the GPC3 gene. It is expected to result in an absent or disrupted protein product. Loss-of-function variants in GPC3 are known to be pathogenic (PMID: 10402475, 12713262, 17603795). This variant is not present in population databases (gnomAD no frequency). This premature translational stop signal has been observed in individual(s) with clinical features of Simpson-Golabi-Behmel syndrome (PMID: 17603795). ClinVar contains an entry for this variant (Variation ID: 1686763). For these reasons, this variant has been classified as Pathogenic.

GeneDx
Classification: Pathogenic. Last evaluated: 2022-05-16. Review status: criteria provided, single submitter. Criteria: GeneDx Variant Classification Process June 2021. Collection method: clinical testing. Allele origin: germline. Affected: yes.
Comment: Nonsense variant predicted to result in protein truncation or nonsense mediated decay in a gene for which loss-of-function is a known mechanism of disease; Not observed in large population cohorts (gnomAD); This variant is associated with the following publications: (PMID: 25525159, 17603795)

Literature cited by the submitters: PubMed 10402475 (cited by Labcorp Genetics (formerly Invitae), Labcorp); PubMed 12713262 (cited by Labcorp Genetics (formerly Invitae), Labcorp); PubMed 17603795 (cited by Labcorp Genetics (formerly Invitae), Labcorp).

NM_004484.4(GPC3):c.760C>T (p.Arg254Ter)

Gene: GPC3 (glypican 3; minus strand). Cytogenetic location: Xq26.2.
Variant type: single nucleotide variant.
Coding change: c.760C>T on transcript NM_004484.4 (MANE Select); coding-DNA position 760, C replaced by T.
Protein change: p.Arg254Ter; replaces arginine 254 with a stop codon.
Molecular consequence: nonsense.
Genome position (GRCh38, 1-based): chrX:133,753,754, G>A on the plus strand (C>T on the coding strand, the complement: GPC3 is on the minus strand). VCF-style: chrX-133753754-G-A. GRCh37 (hg19) VCF-style: chrX-132887781-G-A.
Other names: c.760C>T, p.Arg254Ter (NM_001164617.2); c.712C>T, p.Arg238Ter (NM_001164618.2); c.598C>T, p.Arg200Ter (NM_001164619.2); short protein forms R200*, R238*, R254*.
Identifiers: ClinVar variation 1686763 (VCV001686763.4), dbSNP rs752194694, ClinGen allele CA414705913.